The following is an entry in ClinVar:

ClinVar aggregate classification (germline): Likely pathogenic (1 of 4 stars; one submission).

Conditions:
Fanconi anemia (FA). Also called: Fanconi's anemia. Identifiers: Orphanet 84, MedGen C0015625, MeSH D005199, MONDO:0019391.

Submission:

Labcorp Genetics (formerly Invitae), Labcorp
Classification: Likely pathogenic for Fanconi anemia. Last evaluated: 2023-08-19. Review status: criteria provided, single submitter. Criteria: Invitae Variant Classification Sherloc (09022015). Collection method: clinical testing. Allele origin: germline.
Comment: In summary, the currently available evidence indicates that the variant is pathogenic, but additional data are needed to prove that conclusively. Therefore, this variant has been classified as Likely Pathogenic. Algorithms developed to predict the effect of sequence changes on RNA splicing suggest that this variant may disrupt the consensus splice site. This variant has not been reported in the literature in individuals affected with FANCI-related conditions. This variant is not present in population databases (gnomAD no frequency). This sequence change affects a donor splice site in intron 3 of the FANCI gene. It is expected to disrupt RNA splicing. Variants that disrupt the donor or acceptor splice site typically lead to a loss of protein function (PMID: 16199547), and loss-of-function variants in FANCI are known to be pathogenic (PMID: 17452773, 17460694).

Literature cited by the submitters: PubMed 16199547; PubMed 17452773; PubMed 17460694.

NM_001113378.2(FANCI):c.157+1G>A

Gene: FANCI (FA complementation group I; plus strand). Cytogenetic location: 15q26.1.
Variant type: single nucleotide variant.
Coding change: c.157+1G>A on transcript NM_001113378.2 (MANE Select); the canonical splice donor site of the intron after coding-DNA position 157, G replaced by A.
Molecular consequence: splice donor variant.
Genome position (GRCh38, 1-based): chr15:89,258,777, G>A. VCF-style: chr15-89258777-G-A. GRCh37 (hg19) VCF-style: chr15-89802008-G-A.
Other names: c.157+1G>A (NM_018193.3, NM_001376911.1); c.-123+1G>A (NM_001376910.1).
Identifiers: ClinVar variation 2754005 (VCV002754005.3), dbSNP rs2505814781, ClinGen allele CA393737619.